The following is an entry in ClinVar:

NM_002470.4(MYH3):c.2152G>A (p.Asp718Asn)

Gene: MYH3 (myosin heavy chain 3; minus strand). Cytogenetic location: 17p13.1.
Variant type: single nucleotide variant.
Coding change: c.2152G>A on transcript NM_002470.4 (MANE Select); coding-DNA position 2152, G replaced by A.
Protein change: p.Asp718Asn; replaces aspartic acid 718 with asparagine.
Molecular consequence: missense variant.
Genome position (GRCh38, 1-based): chr17:10,641,098, C>T on the plus strand (G>A on the coding strand, the complement: MYH3 is on the minus strand). VCF-style: chr17-10641098-C-T. GRCh37 (hg19) VCF-style: chr17-10544415-C-T.
Other names: short protein forms D718N.
Identifiers: ClinVar variation 3672970 (VCV003672970.2).

ClinVar aggregate classification (germline): Uncertain significance (1 of 4 stars; one submission).

gnomAD v4.1: 4 of 1,606,556 alleles (0.00025%); highest among the groups gnomAD compares: East Asian, 0.0022%; no homozygotes.

Submission:

Labcorp Genetics (formerly Invitae), Labcorp
Classification: Uncertain significance. Last evaluated: 2024-02-14. Review status: criteria provided, single submitter. Criteria: Invitae Variant Classification Sherloc (09022015). Collection method: clinical testing. Allele origin: germline.
Comment: This sequence change replaces aspartic acid, which is acidic and polar, with asparagine, which is neutral and polar, at codon 718 of the MYH3 protein (p.Asp718Asn). This variant is present in population databases (rs756833381, gnomAD 0.005%). This variant has not been reported in the literature in individuals affected with MYH3-related conditions. Advanced modeling of protein sequence and biophysical properties (such as structural, functional, and spatial information, amino acid conservation, physicochemical variation, residue mobility, and thermodynamic stability) performed at Invitae indicates that this missense variant is not expected to disrupt MYH3 protein function with a negative predictive value of 95%. In summary, the available evidence is currently insufficient to determine the role of this variant in disease. Therefore, it has been classified as a Variant of Uncertain Significance.